The following is an entry in ClinVar:

NM_001457.4(FLNB):c.4468C>T (p.Pro1490Ser)

Gene: FLNB (filamin B; plus strand). Cytogenetic location: 3p14.3.
Variant type: single nucleotide variant.
Coding change: c.4468C>T on transcript NM_001457.4 (MANE Select); coding-DNA position 4468, C replaced by T.
Protein change: p.Pro1490Ser; replaces proline 1490 with serine.
Molecular consequence: missense variant.
Genome position (GRCh38, 1-based): chr3:58,132,885, C>T. VCF-style: chr3-58132885-C-T. GRCh37 (hg19) VCF-style: chr3-58118612-C-T.
Other names: c.4561C>T, p.Pro1521Ser (NM_001164317.2); c.4468C>T, p.Pro1490Ser (NM_001164318.2, NM_001164319.2); short protein forms P1490S, P1521S.
Identifiers: ClinVar variation 1357435 (VCV001357435.6), dbSNP rs1328792757, ClinGen allele CA353351456.

ClinVar aggregate classification (germline): Uncertain significance (1 of 4 stars; one submission).

Allele frequency attached by ClinVar (database versions not stated): gnomAD exomes below 0.00001.

Submission:

Labcorp Genetics (formerly Invitae), Labcorp
Classification: Uncertain significance. Last evaluated: 2021-12-10. Review status: criteria provided, single submitter. Criteria: Invitae Variant Classification Sherloc (09022015). Collection method: clinical testing. Allele origin: germline.
Comment: In summary, the available evidence is currently insufficient to determine the role of this variant in disease. Therefore, it has been classified as a Variant of Uncertain Significance. Advanced modeling of protein sequence and biophysical properties (such as structural, functional, and spatial information, amino acid conservation, physicochemical variation, residue mobility, and thermodynamic stability) performed at Invitae indicates that this missense variant is not expected to disrupt FLNB protein function. This variant has not been reported in the literature in individuals affected with FLNB-related conditions. This variant is present in population databases (no rsID available, gnomAD 0.003%). This sequence change replaces proline, which is neutral and non-polar, with serine, which is neutral and polar, at codon 1490 of the FLNB protein (p.Pro1490Ser).